The following is an entry in ClinVar:

NM_170606.3(KMT2C):c.7722C>T (p.Phe2574=)

Gene: KMT2C (lysine methyltransferase 2C; minus strand). Cytogenetic location: 7q36.1.
Variant type: single nucleotide variant.
Coding change: c.7722C>T on transcript NM_170606.3 (MANE Select); coding-DNA position 7722, C replaced by T.
Protein change: p.Phe2574=; no amino-acid change (phenylalanine 2574 retained).
Molecular consequence: synonymous variant.
Genome position (GRCh38, 1-based): chr7:152,177,731, G>A on the plus strand (C>T on the coding strand, the complement: KMT2C is on the minus strand). VCF-style: chr7-152177731-G-A. GRCh37 (hg19) VCF-style: chr7-151874816-G-A.
Identifiers: ClinVar variation 2175800 (VCV002175800.9), dbSNP rs148253125, ClinGen allele CA4579780.
Genomic context (GRCh38, chr7:152,177,731, plus strand): 5'-AATGAAGTTTCCATGTCTCAGATTAGAAGATGCCTCTACAACGCTGCCAGGTGGAGCACT[G>A]AAAGGCAGCCGTTGCCTTCCGTCAGGAGCCCTATGTCTCAGTTCAATATATGCTTGGCCC-3'
Protein context (NP_733751.2, residues 2564-2584): RAPDGRQRLP[Phe2574=]SAPPGSVVEA

ClinVar aggregate classification (germline): Likely benign. Review status: criteria provided, multiple submitters, no conflicts (2 of 4 stars). 2 submissions from 2 submitters: Likely benign (2). Last evaluated 2026-01-03.

Allele frequency attached by ClinVar (database versions not stated): gnomAD 0.00001; TOPMed 0.00001; gnomAD exomes 0.00002; ExAC 0.00005; 1000 Genomes Project 0.00040; 1000 Genomes Project 30x 0.00047.
gnomAD v4.1: 27 of 1,614,122 alleles (0.0017%); highest among the groups gnomAD compares: South Asian, 0.024%; no homozygotes.

Submissions (2):

Labcorp Genetics (formerly Invitae), Labcorp
Classification: Likely benign. Last evaluated: 2026-01-03. Review status: criteria provided, single submitter. Criteria: Invitae Variant Classification Sherloc (09022015). Collection method: clinical testing. Allele origin: germline.

CeGaT Center for Human Genetics Tuebingen
Classification: Likely benign. Last evaluated: 2025-12-01. Review status: criteria provided, single submitter. Criteria: CeGaT Center For Human Genetics Tuebingen Variant Classification Criteria Version 2. Collection method: clinical testing. Allele origin: germline. Affected: yes. Observed: 1 variant allele.
Comment: KMT2C: BP4, BP7